The following is an entry in ClinVar:

ClinVar aggregate classification (germline): Pathogenic (1 of 4 stars; one submission).

Conditions:
Marfan syndrome (MFS). Also called: MARFAN SYNDROME, TYPE I; Marfan syndrome type 1; Marfan's syndrome; Marfan syndrome, classic; FBN1-Related Marfan Syndrome. Identifiers: Orphanet 284963, Orphanet 558, MedGen C0024796, MONDO:0007947, OMIM 154700.
Familial thoracic aortic aneurysm and aortic dissection (TAAD). Also called: Thoracic aortic aneurysms and dissections. Identifiers: Orphanet 91387, MedGen C4707243, MONDO:0019625.

Submission:

Labcorp Genetics (formerly Invitae), Labcorp
Classification: Pathogenic for Marfan syndrome; Familial thoracic aortic aneurysm and aortic dissection. Last evaluated: 2024-08-13. Review status: criteria provided, single submitter. Criteria: Invitae Variant Classification Sherloc (09022015). Collection method: clinical testing. Allele origin: germline.
Comment: This sequence change creates a premature translational stop signal (p.Pro1424Leufs*2) in the FBN1 gene. It is expected to result in an absent or disrupted protein product. Loss-of-function variants in FBN1 are known to be pathogenic (PMID: 17657824, 19293843). This variant is not present in population databases (gnomAD no frequency). This variant has not been reported in the literature in individuals affected with FBN1-related conditions. For these reasons, this variant has been classified as Pathogenic.

Literature cited by the submitters: PubMed 17657824; PubMed 19293843.

NM_000138.5(FBN1):c.4271_4284del (p.Pro1424fs)

Genes: FBN1 (fibrillin 1; minus strand), LOC126862124 (CDK7 strongly-dependent group 2 enhancer GRCh37_chr15:48764566-48765765; plus strand). Cytogenetic location: 15q21.1.
Variant type: Deletion.
Coding change: c.4271_4284del on transcript NM_000138.5 (MANE Select); coding-DNA positions 4271 to 4284, 14 bases deleted (CAGGAGGATACCGC).
Protein change: p.Pro1424fs; shifts the reading frame from proline 1424.
Molecular consequence: frameshift variant.
Genome position (GRCh38, 1-based): chr15:48,472,603-48,472,616, GCGGTATCCTCCTG deleted on the plus strand (CAGGAGGATACCGC on the coding strand, the reverse complement: FBN1 is on the minus strand); deleting any 14 consecutive bases within chr15:48,472,603-48,472,617 gives the same sequence; the c. name uses the placement nearest the transcript's 3' end. VCF-style (leftmost placement, unchanged base first): chr15-48472602-AGCGGTATCCTCCTG-A. GRCh37 (hg19) VCF-style: chr15-48764799-AGCGGTATCCTCCTG-A.
Other names: c.4271_4284del, p.Pro1424fs (NM_001406716.1); short protein forms P1424fs.
Identifiers: ClinVar variation 3757661 (VCV003757661.2).